The following is an entry in ClinVar:

ClinVar aggregate classification (germline): Likely pathogenic (1 of 4 stars; one submission).

Conditions:
Intellectual developmental disorder, autosomal recessive 75, with neuropsychiatric features and variant lissencephaly (MRT75). Identifiers: MedGen C5676961, MONDO:0030785, OMIM 619827.

Submission:

Juno Genomics, Hangzhou Juno Genomics, Inc
Classification: Likely pathogenic for Intellectual developmental disorder, autosomal recessive 75, with neuropsychiatric features and variant lissencephaly. Review status: criteria provided, single submitter. Criteria: ACMG Guidelines, 2015. Collection method: clinical testing. Allele origin: germline.
Comment: Absent from controls (or at extremely low frequency if recessive) in Genome Aggregation Database.;Null variant in a gene where loss of function (LOF) is a known mechanism of disease.

NM_145886.4(PIDD1):c.538_541del (p.His180fs)

Gene: PIDD1 (p53-induced death domain protein 1; minus strand). Cytogenetic location: 11p15.5.
Variant type: Microsatellite.
Coding change: c.538_541del on transcript NM_145886.4 (MANE Select); coding-DNA positions 538 to 541, 4 bases deleted (CACA; older notation c.538_541delCACA).
Protein change: p.His180fs; shifts the reading frame from histidine 180.
Molecular consequence: frameshift variant.
Genome position (GRCh38, 1-based): chr11:803,342-803,345, TGTG deleted on the plus strand (CACA on the coding strand, the reverse complement: PIDD1 is on the minus strand); deleting any 4 consecutive bases within chr11:803,342-803,348 gives the same sequence; the c. name uses the placement nearest the transcript's 3' end. VCF-style (leftmost placement, unchanged base first): chr11-803341-TTGTG-T. GRCh37 (hg19) VCF-style: chr11-803341-TTGTG-T.
Other names: c.538_541del, p.His180fs (NM_145887.4); short protein forms H180fs.
Identifiers: ClinVar variation 5019456 (VCV005019456.2).